The following is an entry in ClinVar:

NM_000702.4(ATP1A2):c.1310A>T (p.Asn437Ile)

Gene: ATP1A2 (ATPase Na+/K+ transporting subunit alpha 2; plus strand). Cytogenetic location: 1q23.2.
Variant type: single nucleotide variant.
Coding change: c.1310A>T on transcript NM_000702.4 (MANE Select); coding-DNA position 1310, A replaced by T.
Protein change: p.Asn437Ile; replaces asparagine 437 with isoleucine.
Molecular consequence: missense variant.
Genome position (GRCh38, 1-based): chr1:160,129,073, A>T. VCF-style: chr1-160129073-A-T. GRCh37 (hg19) VCF-style: chr1-160098863-A-T.
Other names: short protein forms N437I.
Identifiers: ClinVar variation 3343469 (VCV003343469.1).

ClinVar aggregate classification (germline): Uncertain significance (1 of 4 stars; one submission).

gnomAD v4.1: 1 of 1,613,836 alleles (0.000062%); no homozygotes.

Submission:

GeneDx
Classification: Uncertain significance. Last evaluated: 2023-05-11. Review status: criteria provided, single submitter. Criteria: GeneDx Variant Classification Process June 2021. Collection method: clinical testing. Allele origin: germline. Affected: yes.
Comment: Not observed at significant frequency in large population cohorts (gnomAD); In silico analysis supports that this missense variant has a deleterious effect on protein structure/function; Has not been previously published as pathogenic or benign to our knowledge; This variant is associated with the following publications: (PMID: 18184292)